The following is an entry in ClinVar:

NM_001482.3(GATM):c.1041C>T (p.Asp347=)

Gene: GATM (glycine amidinotransferase; minus strand). Cytogenetic location: 15q21.1.
Variant type: single nucleotide variant.
Coding change: c.1041C>T on transcript NM_001482.3 (MANE Select); coding-DNA position 1041, C replaced by T.
Protein change: p.Asp347=; no amino-acid change (aspartic acid 347 retained).
Molecular consequence: synonymous variant.
Genome position (GRCh38, 1-based): chr15:45,364,798, G>A on the plus strand (C>T on the coding strand, the complement: GATM is on the minus strand). VCF-style: chr15-45364798-G-A. GRCh37 (hg19) VCF-style: chr15-45656996-G-A.
Other names: p.D347D:GAC>GAT; NM_001482.3(GATM):c.1041C>T; p.Asp347=; c.654C>T, p.Asp218= (NM_001321015.2).
Identifiers: ClinVar variation 137450 (VCV000137450.23), dbSNP rs139599307, ClinGen allele CA291039.

ClinVar aggregate classification (germline): Benign. Review status: reviewed by expert panel (3 of 4 stars). 6 submissions from 6 submitters: Benign (1). 5 of the submissions do not count toward it. Last evaluated 2024-08-20.

Conditions:
Inborn genetic diseases. Identifiers: MedGen C0950123, MeSH D030342.
Arginine:glycine amidinotransferase deficiency (CCDS3). Also called: L-Arginine:Glycine Amidinotransferase Deficiency; L-Arginine:Glycine Amidinotransferase (AGAT) Deficiency; AGAT deficiency; Creatine deficiency syndrome due to AGAT deficiency; GATM deficiency; Cerebral creatine deficiency syndrome 3. Identifiers: Orphanet 35704, MedGen C2675179, MONDO:0012996, OMIM 612718.

Allele frequency attached by ClinVar (database versions not stated): gnomAD 0.00007 and 0.00010; gnomAD exomes 0.00023; ESP Exome Variant Server 0.00015; TOPMed 0.00011; ExAC 0.00039.
gnomAD v4.1: 212 of 1,611,834 alleles (0.013%); highest among the groups gnomAD compares: South Asian, 0.11%; no homozygotes.

Submissions (6):

ClinGen Cerebral Creatine Deficiency Syndromes Variant Curation Expert Panel, ClinGen
Classification: Benign for Arginine:glycine amidinotransferase deficiency. Last evaluated: 2024-08-20. Review status: reviewed by expert panel. Criteria: ClinGen_CCDS_ACMG_Specifications_GATM_v1.1. Collection method: curation. Allele origin: germline. Inheritance: Autosomal recessive inheritance.
Comment: The NM_001482.3:c.1041C>T variant in GATM is a synonymous (silent) variant (p.Asp347=). SpliceAI does not predict an impact on splicing, but BP7 was not applied because the nucleotide is conserved (GERP score > 5). To our knowledge, this variant has not been reported in the literature and results of functional studies are unavailable. The highest population minor allele frequency in gnomAD v2.1.1 is 0.00101 (31/30616 alleles) in the South Asian population, which is higher than the ClinGen CCDS VCEP’s threshold for BA1 (>0.0005), and therefore meets this criterion (BA1). There is a ClinVar entry for this variant (Variation ID: 137450). In summary, this variant meets the criteria to be classified as benign for AGAT deficiency based on the ACMG/AMP criteria applied, as specified by the ClinGen Cerebral Creatine Deficiency Syndromes Variant Curation Expert Panel (Specifications Version 1.1.0): BA1. (Classification approved by the ClinGen Cerebral Creatine Deficiency Syndromes Variant Curation Expert Panel on August 20, 2024).

Labcorp Genetics (formerly Invitae), Labcorp
Classification: Likely benign for Arginine:glycine amidinotransferase deficiency. Last evaluated: 2026-01-30. Review status: criteria provided, single submitter. Criteria: Invitae Variant Classification Sherloc (09022015). Collection method: clinical testing. Allele origin: germline. Not counted in ClinVar's aggregate classification.

Laboratory of Genetics, Children's Clinical University Hospital Latvia
Classification: Likely benign. Last evaluated: 2025-02-16. Review status: criteria provided, single submitter. Criteria: ACMG Guidelines, 2015. Collection method: clinical testing. Allele origin: germline. Affected: yes. Not counted in ClinVar's aggregate classification.

Illumina Laboratory Services, Illumina
Classification: Uncertain significance for Arginine:glycine amidinotransferase deficiency. Last evaluated: 2018-01-12. Review status: criteria provided, single submitter. Criteria: ICSL Variant Classification Criteria 13 December 2019. Collection method: clinical testing. Allele origin: germline. Not counted in ClinVar's aggregate classification.

Ambry Genetics
Classification: Likely benign for Inborn genetic diseases. Last evaluated: 2016-10-19. Review status: criteria provided, single submitter. Criteria: Ambry Variant Classification Scheme 2023. Collection method: clinical testing. Allele origin: germline. Not counted in ClinVar's aggregate classification.

GeneDx
Classification: Benign. Last evaluated: 2013-05-29. Review status: criteria provided, single submitter. Criteria: GeneDx Variant Classification (06012015). Collection method: clinical testing. Allele origin: germline. Affected: yes. Not counted in ClinVar's aggregate classification.
Comment: This variant is considered likely benign or benign based on one or more of the following criteria: it is a conservative change, it occurs at a poorly conserved position in the protein, it is predicted to be benign by multiple in silico algorithms, and/or has population frequency not consistent with disease.